The following is an entry in ClinVar:

ClinVar aggregate classification (germline): Uncertain significance (1 of 4 stars; one submission).

Conditions:
Inborn genetic diseases. Identifiers: MedGen C0950123, MeSH D030342.

gnomAD v4.1: 1 of 1,614,214 alleles (0.000062%); highest among the groups gnomAD compares: Non-Finnish European, 0.000085%; no homozygotes.

Submission:

Ambry Genetics
Classification: Uncertain significance for Inborn genetic diseases. Last evaluated: 2026-08-27. Review status: criteria provided, single submitter. Criteria: Ambry Variant Classification Scheme 2023. Collection method: clinical testing. Allele origin: germline.
Comment: The p.I370V variant (also known as c.1108A>G), located in coding exon 6 of the ETV6 gene, results from an A to G substitution at nucleotide position 1108. The isoleucine at codon 370 is replaced by valine, an amino acid with highly similar properties. This amino acid position is conserved. In addition, this alteration is predicted to be tolerated by in silico analysis. Based on the available evidence, the clinical significance of this variant remains unclear.

NM_001987.5(ETV6):c.1108A>G (p.Ile370Val)

Genes: ETV6 (ETS variant transcription factor 6; plus strand), LOC126861452 (CDK7 strongly-dependent group 2 enhancer GRCh37_chr12:12037195-12038394; plus strand). Cytogenetic location: 12p13.2.
Variant type: single nucleotide variant.
Coding change: c.1108A>G on transcript NM_001987.5 (MANE Select); coding-DNA position 1108, A replaced by G.
Protein change: p.Ile370Val; replaces isoleucine 370 with valine.
Molecular consequence: missense variant. On other transcripts: intron variant (1).
Genome position (GRCh38, 1-based): chr12:11,884,543, A>G. VCF-style: chr12-11884543-A-G. GRCh37 (hg19) VCF-style: chr12-12037477-A-G.
Other names: c.1105A>G, p.Ile369Val (NM_001413913.1); c.1081A>G, p.Ile361Val (NM_001413914.1); c.844A>G, p.Ile282Val (NM_001413915.1); c.1010-6398A>G (NM_001413917.1); short protein forms I369V, I370V, I282V, I361V.
Identifiers: ClinVar variation 5036221 (VCV005036221.1).